The following is an entry in ClinVar:

ClinVar aggregate classification (germline): Likely benign. Review status: criteria provided, multiple submitters, no conflicts (2 of 4 stars). 2 submissions from 2 submitters: Likely benign (2). Last evaluated 2026-06-16.

Conditions:
Inborn genetic diseases. Identifiers: MedGen C0950123, MeSH D030342.
ELANE-related disorder. Also called: ELANE-related condition.

gnomAD v4.1: 4 of 1,613,492 alleles (0.00025%); highest among the groups gnomAD compares: Non-Finnish European, 0.00025%; no homozygotes.

Submissions (2):

PreventionGenetics, part of Exact Sciences
Classification: Likely benign for ELANE-related condition. Last evaluated: 2026-06-16. Review status: criteria provided, single submitter. Criteria: ACMG Guidelines, 2015. Collection method: clinical testing. Allele origin: germline.
Comment: This variant is classified as likely benign based on ACMG/AMP sequence variant interpretation guidelines (Richards et al. 2015 PMID: 25741868, with internal and published modifications).

Ambry Genetics
Classification: Likely benign for Inborn genetic diseases. Last evaluated: 2025-04-03. Review status: criteria provided, single submitter. Criteria: Ambry Variant Classification Scheme 2023. Collection method: clinical testing. Allele origin: germline.

NM_001972.4(ELANE):c.645T>C (p.Ile215=)

Gene: ELANE (elastase, neutrophil expressed; plus strand). Cytogenetic location: 19p13.3.
Variant type: single nucleotide variant.
Coding change: c.645T>C on transcript NM_001972.4 (MANE Select); coding-DNA position 645, T replaced by C.
Protein change: p.Ile215=; no amino-acid change (isoleucine 215 retained).
Molecular consequence: synonymous variant.
Genome position (GRCh38, 1-based): chr19:856,005, T>C. VCF-style: chr19-856005-T-C. GRCh37 (hg19) VCF-style: chr19-856005-T-C.
Other names: c.645T>C (NM_001972.3).
Identifiers: ClinVar variation 4017372 (VCV004017372.2).